The following is an entry in ClinVar:

ClinVar aggregate classification (germline): Benign. Review status: criteria provided, multiple submitters, no conflicts (2 of 4 stars). 2 submissions from 2 submitters: Benign (2). Last evaluated 2018-01-13.

Conditions:
Charcot-Marie-Tooth disease type 4B2. Also called: Charcot-Marie-Tooth Neuropathy Type 4B2; CHARCOT-MARIE-TOOTH DISEASE, WITH FOCALLY FOLDED MYELIN SHEATHS, AUTOSOMAL RECESSIVE, TYPE 4B2; CMT 4B2; CHARCOT-MARIE-TOOTH DISEASE, DEMYELINATING, TYPE 4B2. Identifiers: Orphanet 99956, MedGen C1858278, MONDO:0011475, OMIM 604563.

Allele frequency attached by ClinVar (database versions not stated): 1000 Genomes Project 0.27716; 1000 Genomes Project 30x 0.27733; TOPMed 0.31834; gnomAD 0.33428 and 0.33836; gnomAD exomes 0.33544.
gnomAD v4.1: 68,305 of 203,806 alleles (34%); highest among the groups gnomAD compares: Non-Finnish European, 39%; 12,476 homozygotes.

Submissions (2):

Illumina Laboratory Services, Illumina
Classification: Benign for Charcot-Marie-Tooth disease type 4B2. Last evaluated: 2018-01-13. Review status: criteria provided, single submitter. Criteria: ICSL Variant Classification Criteria 13 December 2019. Collection method: clinical testing. Allele origin: germline.
Comment: This variant was observed in the ICSL laboratory as part of a predisposition screen in an ostensibly healthy population. It had not been previously curated by ICSL or reported in the Human Gene Mutation Database (HGMD: prior to June 1st, 2018), and was therefore a candidate for classification through an automated scoring system. Utilizing variant allele frequency, disease prevalence and penetrance estimates, and inheritance mode, an automated score was calculated to assess if this variant is too frequent to cause the disease. Based on the score and internal cut-off values, a variant classified as benign is not then subjected to further curation. The score for this variant resulted in a classification of benign for this disease.

Breakthrough Genomics
Classification: Benign. Review status: criteria provided, single submitter. Criteria: ACMG Guidelines, 2015. Collection method: not provided. Allele origin: germline. Inheritance: Autosomal recessive inheritance. Affected: yes.

NM_030962.4(SBF2):c.*514C>T

Genes: SBF2 (SET binding factor 2; minus strand), SBF2-AS1 (SBF2 antisense RNA 1; plus strand). Cytogenetic location: 11p15.4.
Variant type: single nucleotide variant.
Coding change: c.*514C>T on transcript NM_030962.4 (MANE Select); 514 bases downstream of the stop codon, C replaced by T.
Molecular consequence: 3 prime UTR variant.
Genome position (GRCh38, 1-based): chr11:9,779,904, G>A on the plus strand (C>T on the coding strand, the complement: SBF2 is on the minus strand). VCF-style: chr11-9779904-G-A. GRCh37 (hg19) VCF-style: chr11-9801451-G-A.
Other names: c.*514C>T (NM_001386339.1, NM_001386342.1).
Identifiers: ClinVar variation 306564 (VCV000306564.6), dbSNP rs3829252, ClinGen allele CA10640543.
Genomic context (GRCh38, chr11:9,779,904, plus strand): 5'-TGCTACTGAACAATGACGTCTCTTGTTGTGAACCCCACTGGCAGAGCACGGACCATGGAA[G>A]CATCTTTTGGCAGCACCAGAGAACTGAGCATCTCAAAGGTCAGGCATTACAAGTAGATGT-3'